The following is an entry in ClinVar:

ClinVar aggregate classification (germline): Benign/Likely benign. Review status: criteria provided, multiple submitters, no conflicts (2 of 4 stars). 4 submissions from 4 submitters: Benign (2); Likely benign (1). 1 of the submissions does not count toward it. Last evaluated 2022-05-17.

Conditions:
Trichothiodystrophy 7, nonphotosensitive. Identifiers: MedGen C5231403, MONDO:0032806, OMIM 618546.
TARS1-related disorder. Also called: TARS1-related condition.

Allele frequency attached by ClinVar (database versions not stated): 1000 Genomes Project 0.00739; gnomAD 0.01050 and 0.01136; TOPMed 0.01155; gnomAD exomes 0.00253; ExAC 0.00422; 1000 Genomes Project 30x 0.00921; ESP Exome Variant Server 0.01153.
gnomAD v4.1: 3,009 of 1,611,470 alleles (0.19%); highest among the groups gnomAD compares: African/African-American, 3.6%; 50 homozygotes.

Submissions (4):

Fulgent Genetics
Classification: Likely benign for Trichothiodystrophy 7, nonphotosensitive. Last evaluated: 2022-05-17. Review status: criteria provided, single submitter. Criteria: ACMG Guidelines, 2015. Collection method: clinical testing. Allele origin: unknown.

Labcorp Genetics (formerly Invitae), Labcorp
Classification: Benign. Last evaluated: 2018-08-18. Review status: criteria provided, single submitter. Criteria: Invitae Variant Classification Sherloc (09022015). Collection method: clinical testing. Allele origin: germline.

Breakthrough Genomics
Classification: Benign. Review status: criteria provided, single submitter. Criteria: ACMG Guidelines, 2015. Collection method: not provided. Allele origin: germline. Inheritance: Autosomal recessive inheritance. Affected: yes.

PreventionGenetics, part of Exact Sciences
Classification: Benign for TARS1-related condition. Last evaluated: 2019-11-20. Review status: no assertion criteria provided. Collection method: clinical testing. Allele origin: germline. Not counted in ClinVar's aggregate classification.
Comment: This variant is classified as benign based on ACMG/AMP sequence variant interpretation guidelines (Richards et al. 2015 PMID: 25741868, with internal and published modifications).

NM_152295.5(TARS1):c.62G>A (p.Gly21Asp)

Gene: TARS1 (threonyl-tRNA synthetase 1; plus strand). Cytogenetic location: 5p13.3.
Variant type: single nucleotide variant.
Coding change: c.62G>A on transcript NM_152295.5 (MANE Select); coding-DNA position 62, G replaced by A.
Protein change: p.Gly21Asp; replaces glycine 21 with aspartic acid.
Molecular consequence: missense variant. On other transcripts: non-coding transcript variant (3).
Genome position (GRCh38, 1-based): chr5:33,445,328, G>A. VCF-style: chr5-33445328-G-A. GRCh37 (hg19) VCF-style: chr5-33445434-G-A.
Other names: c.62G>A, p.Gly21Asp (NM_001258437.1, NM_001258438.2); short protein forms G21D.
Identifiers: ClinVar variation 782449 (VCV000782449.7), dbSNP rs34334786, ClinGen allele CA3222884.